The following is an entry in ClinVar:

NM_001540.5(HSPB1):c.158G>A (p.Gly53Asp)

Gene: HSPB1 (heat shock protein family B (small) member 1; plus strand). Cytogenetic location: 7q11.23.
Variant type: single nucleotide variant.
Coding change: c.158G>A on transcript NM_001540.5 (MANE Select); coding-DNA position 158, G replaced by A.
Protein change: p.Gly53Asp; replaces glycine 53 with aspartic acid.
Molecular consequence: missense variant.
Genome position (GRCh38, 1-based): chr7:76,302,870, G>A. VCF-style: chr7-76302870-G-A. GRCh37 (hg19) VCF-style: chr7-75932187-G-A.
Other names: c.158G>A (LRG_248t1); short protein forms G53D.
Identifiers: ClinVar variation 560408 (VCV000560408.5), dbSNP rs375244209, ClinGen allele CA4306273.

ClinVar aggregate classification (germline): Conflicting classifications of pathogenicity. Review status: criteria provided, conflicting classifications (1 of 4 stars). 3 submissions from 3 submitters: Likely pathogenic (1); Uncertain significance (2). Last evaluated 2023-03-01.

Conditions:
Neuronopathy, distal hereditary motor, type 2B. Also called: HMN IIB; NEURONOPATHY, DISTAL HEREDITARY MOTOR, AUTOSOMAL DOMINANT 3; NEURONOPATHY, DISTAL HEREDITARY MOTOR, HARDING TYPE IIB; NEUROPATHY, DISTAL HEREDITARY MOTOR, HARDING TYPE IIB. Identifiers: Orphanet 139525, MedGen C2608087, MONDO:0012080, OMIM 608634.

Allele frequency attached by ClinVar (database versions not stated): gnomAD exomes below 0.00001 and 0.00001; ExAC 0.00002; TOPMed 0.00002; ESP Exome Variant Server 0.00009.

Submissions (3):

GeneDx
Classification: Uncertain significance. Last evaluated: 2023-03-01. Review status: criteria provided, single submitter. Criteria: GeneDx Variant Classification Process June 2021. Collection method: clinical testing. Allele origin: germline. Affected: yes.
Comment: Reported in a heterozygous state in an individual with cerebellar ataxia (Echaniz-Laguna A et al., 2017); In silico analysis supports that this missense variant has a deleterious effect on protein structure/function; This variant is associated with the following publications: (PMID: 32334137, 33943041, 32323160, 32639100, 28969372, 28144995)

Revvity Omics, Revvity
Classification: Uncertain significance. Last evaluated: 2021-02-19. Review status: criteria provided, single submitter. Criteria: ACMG Guidelines, 2015. Collection method: clinical testing. Allele origin: germline.

Biochimie - Maladies Neurologiques Hereditaires, Hospices Civils de Lyon
Classification: Likely pathogenic for Neuronopathy, distal hereditary motor, type 2B. Last evaluated: 2017-02-02. Review status: criteria provided, single submitter. Criteria: ACMG Guidelines, 2015. Collection method: clinical testing. Allele origin: inherited. Affected: yes. Observed: 1 homozygote.
Comment: Article ID: HUMU23189